The following is an entry in ClinVar:

ClinVar aggregate classification (germline): Uncertain significance (0 of 4 stars; one submission).

Conditions:
ROBO3-related disorder. Also called: ROBO3-related condition.

gnomAD v4.1: 309 of 1,602,434 alleles (0.019%); highest among the groups gnomAD compares: Admixed American, 0.034%; no homozygotes.

Submission:

PreventionGenetics, part of Exact Sciences
Classification: Uncertain significance for ROBO3-related condition. Last evaluated: 2024-03-13. Review status: no assertion criteria provided. Collection method: clinical testing. Allele origin: germline.
Comment: The ROBO3 c.2899C>T variant is predicted to result in the amino acid substitution p.Pro967Ser. To our knowledge, this variant has not been reported in the literature. This variant is reported in 0.027% of alleles in individuals of Latino descent in gnomAD. At this time, the clinical significance of this variant is uncertain due to the absence of conclusive functional and genetic evidence.

NM_022370.4(ROBO3):c.2899C>T (p.Pro967Ser)

Gene: ROBO3 (roundabout guidance receptor 3; plus strand). Cytogenetic location: 11q24.2.
Variant type: single nucleotide variant.
Coding change: c.2899C>T on transcript NM_022370.4 (MANE Select); coding-DNA position 2899, C replaced by T.
Protein change: p.Pro967Ser; replaces proline 967 with serine.
Molecular consequence: missense variant. On other transcripts: non-coding transcript variant (7).
Genome position (GRCh38, 1-based): chr11:124,877,571, C>T. VCF-style: chr11-124877571-C-T. GRCh37 (hg19) VCF-style: chr11-124747467-C-T.
Other names: c.46C>T, p.Pro16Ser (NM_001370356.1, NM_001370357.1, NM_001370358.1 and 4 more transcripts); short protein forms P16S, P967S.
Identifiers: ClinVar variation 3356219 (VCV003356219.1).